The following is an entry in ClinVar:

NM_000238.4(KCNH2):c.2649_2654dup (p.Arg885_Lys886insGlnArg)

Gene: KCNH2 (potassium voltage-gated channel subfamily H member 2; minus strand). Cytogenetic location: 7q36.1.
Variant type: Duplication.
Coding change: c.2649_2654dup on transcript NM_000238.4 (MANE Select); coding-DNA positions 2649 to 2654, 6 bases duplicated (GCAACG; older notation c.2649_2654dupGCAACG).
Protein change: p.Arg885_Lys886insGlnArg.
Molecular consequence: inframe indel (on NM_000238.3). On other transcripts: non-coding transcript variant (2).
Genome position (GRCh38, 1-based): chr7:150,948,482-150,948,487, CGTTGC duplicated on the plus strand (GCAACG on the coding strand, the reverse complement: KCNH2 is on the minus strand); duplicating any 6 consecutive bases within chr7:150,948,482-150,948,489 gives the same sequence; the c. name uses the placement nearest the transcript's 3' end. VCF-style (leftmost placement, unchanged base first): chr7-150948481-G-GCGTTGC. GRCh37 (hg19) VCF-style: chr7-150645569-G-GCGTTGC.
Other names: c.2649_2654dupGCAACG (NM_000238.3); c.2361_2366dup, p.Arg789_Lys790insGlnArg (NM_001406753.1); c.1629_1634dup, p.Arg545_Lys546insGlnArg (NM_172057.3).
Identifiers: ClinVar variation 4090323 (VCV004090323.1).
Genomic context (GRCh38, chr7:150,948,481, plus strand): 5'-CTTCCTCCCCTCCCCCGCCTCACCCTTGTCCGTGCGCCTGCGGAAGGACAACTTGCGCTT[G>GCGTTGC]CGTTGCCGACTGAAGCCACCCTCTAACTCCGTACTGCCGGGGGAGCCCGGGATCATGTTG-3'

ClinVar aggregate classification (germline): Uncertain significance (1 of 4 stars; one submission).

Conditions:
Cardiovascular phenotype. Identifiers: MedGen CN230736.

Submission:

Ambry Genetics
Classification: Uncertain significance for Cardiovascular phenotype. Last evaluated: 2025-08-20. Review status: criteria provided, single submitter. Criteria: Ambry Variant Classification Scheme 2023. Collection method: clinical testing. Allele origin: germline.
Comment: The c.2649_2654dupGCAACG variant (also known as p.Q884_R885dup), located in coding exon 11 of the KCNH2 gene, results from an in-frame duplication of GCAACG at nucleotide positions 2649 to 2654. This results in the duplication of 2 extra residues (QR) between codons 884 and 885. This amino acid region ranges from highly conserved to not well conserved in available vertebrate species. In addition, the in silico prediction for this variant is inconclusive (Choi Y et al. PLoS ONE. 2012; 7(10):e46688). Based on the available evidence, the clinical significance of this variant remains unclear.